The following is an entry in ClinVar:

NM_001429.4(EP300):c.3904C>G (p.Leu1302Val)

Gene: EP300 (EP300 lysine acetyltransferase; plus strand). Cytogenetic location: 22q13.2.
Variant type: single nucleotide variant.
Coding change: c.3904C>G on transcript NM_001429.4 (MANE Select); coding-DNA position 3904, C replaced by G.
Protein change: p.Leu1302Val; replaces leucine 1302 with valine.
Molecular consequence: missense variant.
Genome position (GRCh38, 1-based): chr22:41,168,478, C>G. VCF-style: chr22-41168478-C-G. GRCh37 (hg19) VCF-style: chr22-41564482-C-G.
Other names: c.3826C>G, p.Leu1276Val (NM_001362843.2); short protein forms L1302V, L1276V.
Identifiers: ClinVar variation 4985949 (VCV004985949.1).

ClinVar aggregate classification (germline): Uncertain significance (1 of 4 stars; one submission).

Conditions:
EP300-related disorder. Also called: EP300-related condition; EP300-related disorders.

Submission:

PreventionGenetics, part of Exact Sciences
Classification: Uncertain significance for EP300-related condition. Last evaluated: 2025-09-11. Review status: criteria provided, single submitter. Criteria: ACMG Guidelines, 2015. Collection method: clinical testing. Allele origin: germline.
Comment: The EP300 c.3904C>G variant is predicted to result in the amino acid substitution p.Leu1302Val. To our knowledge, this variant has not been reported in the literature or in a large population database (gnomAD), indicating this variant is rare. At this time, the clinical significance of this variant is uncertain due to the absence of conclusive functional and genetic evidence.